The following is an entry in ClinVar:

ClinVar aggregate classification (germline): Uncertain significance. Review status: criteria provided, multiple submitters, no conflicts (2 of 4 stars). 3 submissions from 3 submitters: Uncertain significance (3). Last evaluated 2024-05-01.

Allele frequency attached by ClinVar (database versions not stated): TOPMed 0.00003; gnomAD 0.00005.
gnomAD v4.1: 50 of 1,614,080 alleles (0.0031%); highest among the groups gnomAD compares: African/African-American, 0.004%; no homozygotes.

Submissions (3):

CeGaT Center for Human Genetics Tuebingen
Classification: Uncertain significance. Last evaluated: 2024-05-01. Review status: criteria provided, single submitter. Criteria: CeGaT Center For Human Genetics Tuebingen Variant Classification Criteria Version 2. Collection method: clinical testing. Allele origin: germline. Affected: yes. Observed: 1 variant allele.
Comment: CTDP1: PM2

Labcorp Genetics (formerly Invitae), Labcorp
Classification: Uncertain significance. Last evaluated: 2022-10-13. Review status: criteria provided, single submitter. Criteria: Invitae Variant Classification Sherloc (09022015). Collection method: clinical testing. Allele origin: germline.
Comment: This variant has not been reported in the literature in individuals affected with CTDP1-related conditions. In summary, the available evidence is currently insufficient to determine the role of this variant in disease. Therefore, it has been classified as a Variant of Uncertain Significance. Algorithms developed to predict the effect of missense changes on protein structure and function are either unavailable or do not agree on the potential impact of this missense change (SIFT: "Deleterious"; PolyPhen-2: "Possibly Damaging"; Align-GVGD: "Class C0"). This variant is present in population databases (no rsID available, gnomAD 0.002%). This sequence change replaces arginine, which is basic and polar, with glutamine, which is neutral and polar, at codon 176 of the CTDP1 protein (p.Arg176Gln).

Blueprint Genetics
Classification: Uncertain significance. Last evaluated: 2021-06-16. Review status: criteria provided, single submitter. Criteria: ACMG Guidelines, 2015. Collection method: clinical testing. Allele origin: germline.

NM_004715.5(CTDP1):c.527G>A (p.Arg176Gln)

Gene: CTDP1 (CTD phosphatase 1; plus strand). Cytogenetic location: 18q23.
Variant type: single nucleotide variant.
Coding change: c.527G>A on transcript NM_004715.5 (MANE Select); coding-DNA position 527, G replaced by A.
Protein change: p.Arg176Gln; replaces arginine 176 with glutamine.
Molecular consequence: missense variant.
Genome position (GRCh38, 1-based): chr18:79,697,894, G>A. VCF-style: chr18-79697894-G-A. GRCh37 (hg19) VCF-style: chr18-77457894-G-A.
Other names: c.170G>A, p.Arg57Gln (NM_001202504.1); c.527G>A, p.Arg176Gln (NM_001318511.2, NM_048368.4); short protein forms R176Q, R57Q.
Identifiers: ClinVar variation 1972901 (VCV001972901.23), dbSNP rs1285968096, ClinGen allele CA402829210.